The following is an entry in ClinVar:

NM_001379110.1(SLC9A6):c.138C>G (p.Phe46Leu)

Genes: SLC9A6 (solute carrier family 9 member A6; plus strand), LOC130068747 (ATAC-STARR-seq lymphoblastoid active region 29988; plus strand). Cytogenetic location: Xq26.3.
Variant type: single nucleotide variant.
Coding change: c.138C>G on transcript NM_001379110.1 (MANE Select); coding-DNA position 138, C replaced by G.
Protein change: p.Phe46Leu; replaces phenylalanine 46 with leucine.
Molecular consequence: missense variant.
Genome position (GRCh38, 1-based): chrX:135,985,796, C>G. VCF-style: chrX-135985796-C-G. GRCh37 (hg19) VCF-style: chrX-135067955-C-G.
Other names: c.294C>G, p.Phe98Leu (NM_001042537.2, NM_006359.3); c.138C>G, p.Phe46Leu (NM_001177651.2, NM_001330652.2, NM_001400909.1 and 4 more transcripts); short protein forms F46L, F98L.
Identifiers: ClinVar variation 1798016 (VCV001798016.7), dbSNP rs2089326061, ClinGen allele CA414606940.

ClinVar aggregate classification (germline): Uncertain significance. Review status: criteria provided, multiple submitters, no conflicts (2 of 4 stars). 2 submissions from 2 submitters: Uncertain significance (2). Last evaluated 2023-11-13.

Conditions:
Inborn genetic diseases. Identifiers: MedGen C0950123, MeSH D030342.
Christianson syndrome (MRXSCH). Also called: X-linked mental retardation, syndromic, Christianson type; SLC9A6-Related Syndromic Mental Retardation; INTELLECTUAL DEVELOPMENTAL DISORDER, X-LINKED, SYNDROMIC, CHRISTIANSON TYPE. Identifiers: Orphanet 85278, MedGen C2678194, MONDO:0010278, OMIM 300243.

Allele frequency attached by ClinVar (database versions not stated): TOPMed 0.00001.

Submissions (2):

Labcorp Genetics (formerly Invitae), Labcorp
Classification: Uncertain significance for Christianson syndrome. Last evaluated: 2023-11-13. Review status: criteria provided, single submitter. Criteria: Invitae Variant Classification Sherloc (09022015). Collection method: clinical testing. Allele origin: germline.
Comment: This sequence change replaces phenylalanine, which is neutral and non-polar, with leucine, which is neutral and non-polar, at codon 98 of the SLC9A6 protein (p.Phe98Leu). This variant is not present in population databases (gnomAD no frequency). This variant has not been reported in the literature in individuals affected with SLC9A6-related conditions. ClinVar contains an entry for this variant (Variation ID: 1798016). Advanced modeling of protein sequence and biophysical properties (such as structural, functional, and spatial information, amino acid conservation, physicochemical variation, residue mobility, and thermodynamic stability) performed at Invitae indicates that this missense variant is not expected to disrupt SLC9A6 protein function with a negative predictive value of 80%. In summary, the available evidence is currently insufficient to determine the role of this variant in disease. Therefore, it has been classified as a Variant of Uncertain Significance.

Ambry Genetics
Classification: Uncertain significance for Inborn genetic diseases. Last evaluated: 2017-08-09. Review status: criteria provided, single submitter. Criteria: Ambry Variant Classification Scheme 2023. Collection method: clinical testing. Allele origin: germline.
Comment: The p.F98L variant (also known as c.294C>G), located in coding exon 1 of the SLC9A6 gene, results from a C to G substitution at nucleotide position 294. The phenylalanine at codon 98 is replaced by leucine, an amino acid with highly similar properties. This amino acid position is highly conserved in available vertebrate species. In addition, this alteration is predicted to be tolerated by in silico analysis. Since supporting evidence is limited at this time, the clinical significance of this alteration remains unclear.